The following is an entry in ClinVar:

NM_018979.4(WNK1):c.5462C>T (p.Ala1821Val)

Gene: WNK1 (WNK lysine deficient protein kinase 1; plus strand). Cytogenetic location: 12p13.33.
Variant type: single nucleotide variant.
Coding change: c.5462C>T on transcript NM_018979.4 (MANE Select); coding-DNA position 5462, C replaced by T.
Protein change: p.Ala1821Val; replaces alanine 1821 with valine.
Molecular consequence: missense variant.
Genome position (GRCh38, 1-based): chr12:890,466, C>T. VCF-style: chr12-890466-C-T. GRCh37 (hg19) VCF-style: chr12-999632-C-T.
Other names: c.6242C>T, p.Ala2081Val (NM_001184985.2); c.4721C>T, p.Ala1574Val (NM_014823.3); c.6218C>T, p.Ala2073Val (NM_213655.5); short protein forms A1821V, A2073V, A1574V, A2081V.
Identifiers: ClinVar variation 440421 (VCV000440421.19), dbSNP rs371264719, ClinGen allele CA6383196.

ClinVar aggregate classification (germline): Uncertain significance. Review status: criteria provided, multiple submitters, no conflicts (2 of 4 stars). 4 submissions from 4 submitters: Uncertain significance (4). Last evaluated 2025-05-22.

Conditions:
Pseudohypoaldosteronism type 2C (PHA2C). Also called: Pseudohypoaldosteronism Type IIC. Identifiers: Orphanet 757, Orphanet 88940, MedGen C1840391, MONDO:0013778, OMIM 614492.
Neuropathy, hereditary sensory and autonomic, type 2A (HSAN2A). Also called: MORVAN DISEASE; NEUROPATHY, CONGENITAL SENSORY; NEUROPATHY, HEREDITARY SENSORY RADICULAR, AUTOSOMAL RECESSIVE; NEUROPATHY, HEREDITARY SENSORY, TYPE IIA; NEUROPATHY, PROGRESSIVE SENSORY, OF CHILDREN; ACROOSTEOLYSIS, GIACCAI TYPE. Identifiers: Orphanet 970, MedGen C2752089, MONDO:0024309, OMIM 201300.

Allele frequency attached by ClinVar (database versions not stated): gnomAD exomes 0.00001 and 0.00002; ExAC 0.00002; gnomAD 0.00003 and 0.00004; TOPMed 0.00003; ESP Exome Variant Server 0.00008.
gnomAD v4.1: 21 of 1,613,930 alleles (0.0013%); highest among the groups gnomAD compares: African/African-American, 0.008%; no homozygotes.

Submissions (4):

Labcorp Genetics (formerly Invitae), Labcorp
Classification: Uncertain significance for Neuropathy, hereditary sensory and autonomic, type 2A; Pseudohypoaldosteronism type 2C. Last evaluated: 2025-05-22. Review status: criteria provided, single submitter. Criteria: Invitae Variant Classification Sherloc (09022015). Collection method: clinical testing. Allele origin: germline.
Comment: This sequence change replaces alanine, which is neutral and non-polar, with valine, which is neutral and non-polar, at codon 2073 of the WNK1 protein (p.Ala2073Val). This variant is present in population databases (rs371264719, gnomAD 0.02%). This variant has not been reported in the literature in individuals affected with WNK1-related conditions. ClinVar contains an entry for this variant (Variation ID: 440421). Invitae Evidence Modeling of protein sequence and biophysical properties (such as structural, functional, and spatial information, amino acid conservation, physicochemical variation, residue mobility, and thermodynamic stability) indicates that this missense variant is not expected to disrupt WNK1 protein function with a negative predictive value of 95%. In summary, the available evidence is currently insufficient to determine the role of this variant in disease. Therefore, it has been classified as a Variant of Uncertain Significance.

Johns Hopkins Genomics, Johns Hopkins University
Classification: Uncertain significance for Pseudohypoaldosteronism type 2C. Last evaluated: 2022-07-06. Review status: criteria provided, single submitter. Criteria: ACMG Guidelines, 2015. Collection method: clinical testing. Allele origin: germline.
Comment: This WNK1 missense variant (rs371264719 ) is rare (<0.1%) in a large population dataset (gnomAD v3.1.2: 5/152130 total alleles; 0.0033%; no homozygotes). It has been reported in ClinVar (Variation ID 440421), but has not been reported in the literature, to our knowledge. Three bioinformatic tools queried predict that this substitution would be tolerated, and the alanine residue at this position is evolutionarily conserved across very few species assessed with most species having valine at this position. We consider the clinical significance of c.5462C>T to be uncertain at this time.

Mayo Clinic Laboratories, Mayo Clinic
Classification: Uncertain significance. Last evaluated: 2019-04-27. Review status: criteria provided, single submitter. Criteria: ACMG Guidelines, 2015. Collection method: clinical testing. Allele origin: germline. Observed: 1 variant allele.

ARUP Laboratories, Molecular Genetics and Genomics, ARUP Laboratories
Classification: Uncertain significance. Last evaluated: 2016-09-28. Review status: criteria provided, single submitter. Criteria: ARUP Molecular Germline Variant Investigation Process. Collection method: clinical testing. Allele origin: germline.

Literature cited by the submitters: PubMed 22073419 (cited by Johns Hopkins Genomics, Johns Hopkins University).